The following is an entry in ClinVar:

NM_001385079.1(PDE10A):c.1940C>A (p.Pro647His)

Gene: PDE10A (phosphodiesterase 10A; minus strand). Cytogenetic location: 6q27.
Variant type: single nucleotide variant.
Coding change: c.1940C>A on transcript NM_001385079.1 (MANE Select); coding-DNA position 1940, C replaced by A.
Protein change: p.Pro647His; replaces proline 647 with histidine.
Molecular consequence: missense variant.
Genome position (GRCh38, 1-based): chr6:165,413,637, G>T on the plus strand (C>A on the coding strand, the complement: PDE10A is on the minus strand). VCF-style: chr6-165413637-G-T. GRCh37 (hg19) VCF-style: chr6-165827125-G-T.
Other names: p.Pro381His; c.1142C>A, p.Pro381His (NM_001130690.3); c.1112C>A, p.Pro371His (NM_006661.4); c.1142C>A (NM_001130690.2); short protein forms P381H, P647H, P371H.
Identifiers: ClinVar variation 2842939 (VCV002842939.4), dbSNP rs1207765419, ClinGen allele CA366395427.

ClinVar aggregate classification (germline): Uncertain significance. Review status: criteria provided, multiple submitters, no conflicts (2 of 4 stars). 2 submissions from 2 submitters: Uncertain significance (2). Last evaluated 2025-02-12.

Allele frequency attached by ClinVar (database versions not stated): TOPMed below 0.00001; gnomAD 0.00001.
gnomAD v4.1: 1 of 1,613,968 alleles (0.000062%); highest among the groups gnomAD compares: Non-Finnish European, 0.000085%; no homozygotes.

Submissions (2):

Mayo Clinic Laboratories, Mayo Clinic
Classification: Uncertain significance. Last evaluated: 2025-02-12. Review status: criteria provided, single submitter. Criteria: ACMG Guidelines, 2015. Collection method: clinical testing. Allele origin: germline. Observed: 1 variant allele.
Comment: PP2, PP3, PM2_supporting

Labcorp Genetics (formerly Invitae), Labcorp
Classification: Uncertain significance. Last evaluated: 2023-03-04. Review status: criteria provided, single submitter. Criteria: Invitae Variant Classification Sherloc (09022015). Collection method: clinical testing. Allele origin: germline.
Comment: This sequence change replaces proline, which is neutral and non-polar, with histidine, which is basic and polar, at codon 381 of the PDE10A protein (p.Pro381His). This variant is not present in population databases (gnomAD no frequency). This variant has not been reported in the literature in individuals affected with PDE10A-related conditions. Advanced modeling of protein sequence and biophysical properties (such as structural, functional, and spatial information, amino acid conservation, physicochemical variation, residue mobility, and thermodynamic stability) performed at Invitae indicates that this missense variant is expected to disrupt PDE10A protein function. In summary, the available evidence is currently insufficient to determine the role of this variant in disease. Therefore, it has been classified as a Variant of Uncertain Significance.